The following is an entry in ClinVar:

ClinVar aggregate classification (germline): Uncertain significance (1 of 4 stars; one submission).

Conditions:
Combined immunodeficiency due to STK4 deficiency (IMD110). Also called: STK4 DEFICIENCY; MST1 DEFICIENCY; T-cell immunodeficiency, recurrent infections, and autoimmunity with or without cardiac malformations. Identifiers: Orphanet 314689, MedGen C3553943, MONDO:0013934, OMIM 614868.

Submission:

Labcorp Genetics (formerly Invitae), Labcorp
Classification: Uncertain significance for Combined immunodeficiency due to STK4 deficiency. Last evaluated: 2022-01-16. Review status: criteria provided, single submitter. Criteria: Invitae Variant Classification Sherloc (09022015). Collection method: clinical testing. Allele origin: germline.
Comment: This variant has not been reported in the literature in individuals affected with STK4-related conditions. Advanced modeling of protein sequence and biophysical properties (such as structural, functional, and spatial information, amino acid conservation, physicochemical variation, residue mobility, and thermodynamic stability) performed at Invitae indicates that this missense variant is not expected to disrupt STK4 protein function. In summary, the available evidence is currently insufficient to determine the role of this variant in disease. Therefore, it has been classified as a Variant of Uncertain Significance. This sequence change replaces lysine, which is basic and polar, with threonine, which is neutral and polar, at codon 119 of the STK4 protein (p.Lys119Thr). This variant is not present in population databases (gnomAD no frequency).

NM_006282.5(STK4):c.356A>C (p.Lys119Thr)

Gene: STK4 (serine/threonine kinase 4; plus strand). Cytogenetic location: 20q13.12.
Variant type: single nucleotide variant.
Coding change: c.356A>C on transcript NM_006282.5 (MANE Select); coding-DNA position 356, A replaced by C.
Protein change: p.Lys119Thr; replaces lysine 119 with threonine.
Molecular consequence: missense variant.
Genome position (GRCh38, 1-based): chr20:44,981,939, A>C. VCF-style: chr20-44981939-A-C. GRCh37 (hg19) VCF-style: chr20-43610580-A-C.
Other names: c.356A>C, p.Lys119Thr (NM_001352385.2); short protein forms K119T.
Identifiers: ClinVar variation 2086171 (VCV002086171.4), dbSNP rs2515605003, ClinGen allele CA409149218.
Genomic context (GRCh38, chr20:44,981,939, plus strand): 5'-GGATCGTTATGGAGTACTGTGGGGCTGGTTCTGTATCTGATATCATTCGATTACGAAATA[A>C]AACGGTAGGTTTACCTTCTAGAACATGCAACTGAGCTAGTTTCTTATGCCATCTTCTTTT-3'
Protein context (NP_006273.1, residues 109-129): SVSDIIRLRN[Lys119Thr]TLTEDEIATI